The following is an entry in ClinVar:

NM_000018.4(ACADVL):c.509A>G (p.His170Arg)

Gene: ACADVL (acyl-CoA dehydrogenase very long chain; plus strand). Cytogenetic location: 17p13.1.
Variant type: single nucleotide variant.
Coding change: c.509A>G on transcript NM_000018.4 (MANE Select); coding-DNA position 509, A replaced by G.
Protein change: p.His170Arg; replaces histidine 170 with arginine.
Molecular consequence: missense variant.
Genome position (GRCh38, 1-based): chr17:7,221,569, A>G. VCF-style: chr17-7221569-A-G. GRCh37 (hg19) VCF-style: chr17-7124888-A-G.
Other names: c.443A>G, p.His148Arg (NM_001033859.3); c.578A>G, p.His193Arg (NM_001270447.2); c.281A>G, p.His94Arg (NM_001270448.2); short protein forms H148R, H170R, H193R, H94R.
Identifiers: ClinVar variation 1915689 (VCV001915689.5), dbSNP rs2508281870, ClinGen allele CA397723062.
Genomic context (GRCh38, chr17:7,221,569, plus strand): 5'-ACAACCCCAGATTCCTGCTTCCCCTCCAGTACGCCCGTTTGGTGGAGATCGTGGGCATGC[A>G]TGACCTTGGCGTGGGCATTACCCTGGGGGCCCATCAGAGCATCGGTTTCAAAGGCATCCT-3'
Protein context (NP_000009.1, residues 160-180): YARLVEIVGM[His170Arg]DLGVGITLGA

ClinVar aggregate classification (germline): Uncertain significance (1 of 4 stars; one submission).

Conditions:
Very long chain acyl-CoA dehydrogenase deficiency (ACADVLD). Also called: Very Long-Chain Acyl-Coenzyme A Dehydrogenase Deficiency; VLCAD Deficiency. Identifiers: Orphanet 26793, MedGen C3887523, MONDO:0008723, OMIM 201475.

Allele frequency attached by ClinVar (database versions not stated): gnomAD exomes below 0.00001.

Submission:

Labcorp Genetics (formerly Invitae), Labcorp
Classification: Uncertain significance for Very long chain acyl-CoA dehydrogenase deficiency. Last evaluated: 2022-08-10. Review status: criteria provided, single submitter. Criteria: Invitae Variant Classification Sherloc (09022015). Collection method: clinical testing. Allele origin: germline.
Comment: In summary, the available evidence is currently insufficient to determine the role of this variant in disease. Therefore, it has been classified as a Variant of Uncertain Significance. Algorithms developed to predict the effect of missense changes on protein structure and function are either unavailable or do not agree on the potential impact of this missense change (SIFT: "Deleterious"; PolyPhen-2: "Possibly Damaging"; Align-GVGD: "Class C0"). This variant has not been reported in the literature in individuals affected with ACADVL-related conditions. This variant is not present in population databases (gnomAD no frequency). This sequence change replaces histidine, which is basic and polar, with arginine, which is basic and polar, at codon 170 of the ACADVL protein (p.His170Arg).